The following is an entry in ClinVar:

ClinVar aggregate classification (germline): Uncertain significance (1 of 4 stars; one submission).

Conditions:
Accelerated tumor formation, susceptibility to (ACTFS). Identifiers: MedGen C3280690, OMIM 614401, MONDO:0013733.

Allele frequency attached by ClinVar (database versions not stated): gnomAD 0.00001; TOPMed 0.00001; ExAC 0.00004; gnomAD exomes 0.00004.
gnomAD v4.1: 25 of 1,613,776 alleles (0.0015%); highest among the groups gnomAD compares: Admixed American, 0.042%; no homozygotes.

Submission:

Labcorp Genetics (formerly Invitae), Labcorp
Classification: Uncertain significance for Accelerated tumor formation, susceptibility to. Last evaluated: 2022-04-09. Review status: criteria provided, single submitter. Criteria: Invitae Variant Classification Sherloc (09022015). Collection method: clinical testing. Allele origin: germline.
Comment: This sequence change replaces leucine, which is neutral and non-polar, with valine, which is neutral and non-polar, at codon 205 of the MDM2 protein (p.Leu205Val). This variant is present in population databases (rs763587937, gnomAD 0.06%), and has an allele count higher than expected for a pathogenic variant. This variant has not been reported in the literature in individuals affected with MDM2-related conditions. Algorithms developed to predict the effect of missense changes on protein structure and function are either unavailable or do not agree on the potential impact of this missense change (SIFT: "Tolerated"; PolyPhen-2: "Probably Damaging"; Align-GVGD: "Class C0"). In summary, the available evidence is currently insufficient to determine the role of this variant in disease. Therefore, it has been classified as a Variant of Uncertain Significance.

NM_002392.6(MDM2):c.613C>G (p.Leu205Val)

Gene: MDM2 (MDM2 proto-oncogene; plus strand). Cytogenetic location: 12q15.
Variant type: single nucleotide variant.
Coding change: c.613C>G on transcript NM_002392.6 (MANE Select); coding-DNA position 613, C replaced by G.
Protein change: p.Leu205Val; replaces leucine 205 with valine.
Molecular consequence: missense variant. On other transcripts: intron variant (2).
Genome position (GRCh38, 1-based): chr12:68,828,860, C>G. VCF-style: chr12-68828860-C-G. GRCh37 (hg19) VCF-style: chr12-69222640-C-G.
Other names: c.595C>G, p.Leu199Val (NM_001145337.3, NM_001367990.1); c.448C>G, p.Leu150Val (NM_001145339.2); c.157-6969C>G (NM_001278462.2, NM_001145340.3); short protein forms L199V, L205V, L150V.
Identifiers: ClinVar variation 2164923 (VCV002164923.4), dbSNP rs763587937, ClinGen allele CA6678726.